The following is an entry in ClinVar:

NM_000083.3(CLCN1):c.1244C>T (p.Ala415Val)

Gene: CLCN1 (chloride voltage-gated channel 1; plus strand). Cytogenetic location: 7q34.
Variant type: single nucleotide variant.
Coding change: c.1244C>T on transcript NM_000083.3 (MANE Select); coding-DNA position 1244, C replaced by T.
Protein change: p.Ala415Val; replaces alanine 415 with valine.
Molecular consequence: missense variant. On other transcripts: non-coding transcript variant (1).
Genome position (GRCh38, 1-based): chr7:143,332,496, C>T. VCF-style: chr7-143332496-C-T. GRCh37 (hg19) VCF-style: chr7-143029589-C-T.
Other names: short protein forms A415V.
Identifiers: ClinVar variation 2925424 (VCV002925424.3), dbSNP rs2116854732, ClinGen allele CA369643585.

ClinVar aggregate classification (germline): Pathogenic (1 of 4 stars; one submission).

Conditions:
Congenital myotonia, autosomal dominant form (THD). Also called: THOMSEN DISEASE; Myotonia congenita autosomal dominant. Identifiers: Orphanet 614, MedGen C2936781, MONDO:0008055, OMIM 160800.
Congenital myotonia, autosomal recessive form. Also called: BECKER DISEASE; Becker Generalized Myotonia; myotonia congenita, autosomal recessive. Identifiers: Orphanet 614, MedGen C0751360, MONDO:0009715, OMIM 255700.

Allele frequency attached by ClinVar (database versions not stated): gnomAD exomes below 0.00001.
gnomAD v4.1: 2 of 1,613,166 alleles (0.00012%); highest among the groups gnomAD compares: East Asian, 0.0045%; no homozygotes.

Submission:

Labcorp Genetics (formerly Invitae), Labcorp
Classification: Pathogenic for Congenital myotonia, autosomal recessive form; Congenital myotonia, autosomal dominant form. Last evaluated: 2023-02-04. Review status: criteria provided, single submitter. Criteria: Invitae Variant Classification Sherloc (09022015). Collection method: clinical testing. Allele origin: germline.
Comment: This sequence change replaces alanine, which is neutral and non-polar, with valine, which is neutral and non-polar, at codon 415 of the CLCN1 protein (p.Ala415Val). This variant is not present in population databases (gnomAD no frequency). This missense change has been observed in individuals with autosomal recessive myotonia congenita or autosomal recessive Becker muscular dystrophy (PMID: 8571958, 9736066). Advanced modeling of protein sequence and biophysical properties (such as structural, functional, and spatial information, amino acid conservation, physicochemical variation, residue mobility, and thermodynamic stability) performed at Invitae indicates that this missense variant is expected to disrupt CLCN1 protein function. For these reasons, this variant has been classified as Pathogenic.

Literature cited by the submitters: PubMed 8571958; PubMed 9736066.